The following is an entry in ClinVar:

NM_001358530.2(MOCS1):c.1788T>G (p.Ser596=)

Gene: MOCS1 (molybdenum cofactor synthesis 1; minus strand). Cytogenetic location: 6p21.2.
Variant type: single nucleotide variant.
Coding change: c.1788T>G on transcript NM_001358530.2 (MANE Select); coding-DNA position 1788, T replaced by G.
Protein change: p.Ser596=; no amino-acid change (serine 596 retained).
Molecular consequence: synonymous variant. On other transcripts: 3 prime UTR variant (4), non-coding transcript variant (1).
Genome position (GRCh38, 1-based): chr6:39,906,480, A>C on the plus strand (T>G on the coding strand, the complement: MOCS1 is on the minus strand). VCF-style: chr6-39906480-A-C. GRCh37 (hg19) VCF-style: chr6-39874256-A-C.
Other names: c.*645T>G (NM_001075098.4, NM_001358533.2, NM_001358534.2 and 1 more transcripts); c.1740T>G, p.Ser580= (NM_001358529.2); c.1527T>G, p.Ser509= (NM_001358531.2); c.1788T>G (NM_001358530.1).
Identifiers: ClinVar variation 356641 (VCV000356641.9), dbSNP rs200764011, ClinGen allele CA3795889.
Genomic context (GRCh38, chr6:39,906,480, plus strand): 5'-CACGATGTCCCTGCTGACAGCCTTGCACATGTCATACAGGGTGAGGGCGGCCACTGCAGC[A>C]GAGGTCAGGGCCTCCATCTCCACCCCGGTGGGGCCCCGAGCCCGGCAAGATGCCTGGATC-3'
Protein context (NP_001345459.1, residues 586-606): PTGVEMEALT[Ser596=]AAVAALTLYD

ClinVar aggregate classification (germline): Conflicting classifications of pathogenicity. Review status: criteria provided, conflicting classifications (1 of 4 stars). 3 submissions from 3 submitters: Uncertain significance (1); Likely benign (2). Last evaluated 2025-06-03.

Conditions:
MOCS1-related disorder. Also called: MOCS1-related condition.
Sulfite oxidase deficiency due to molybdenum cofactor deficiency type A. Also called: Molybdenum cofactor deficiency, complementation group A; Molybdenum Cofactor Deficiency A. Identifiers: Orphanet 308386, Orphanet 833, MedGen C1854988, MONDO:0009643, OMIM 252150.

Allele frequency attached by ClinVar (database versions not stated): gnomAD exomes 0.00002 and 0.00003; TOPMed 0.00002; ExAC 0.00003; gnomAD 0.00001.
gnomAD v4.1: 29 of 1,614,032 alleles (0.0018%); highest among the groups gnomAD compares: Non-Finnish European, 0.00051%; no homozygotes.

Submissions (3):

PreventionGenetics, part of Exact Sciences
Classification: Likely benign for MOCS1-related condition. Last evaluated: 2025-06-03. Review status: criteria provided, single submitter. Criteria: ACMG Guidelines, 2015. Collection method: clinical testing. Allele origin: germline.
Comment: This variant is classified as likely benign based on ACMG/AMP sequence variant interpretation guidelines (Richards et al. 2015 PMID: 25741868, with internal and published modifications).

Labcorp Genetics (formerly Invitae), Labcorp
Classification: Likely benign for Sulfite oxidase deficiency due to molybdenum cofactor deficiency type A. Last evaluated: 2024-12-07. Review status: criteria provided, single submitter. Criteria: Invitae Variant Classification Sherloc (09022015). Collection method: clinical testing. Allele origin: germline.

Illumina Laboratory Services, Illumina
Classification: Uncertain significance for Sulfite oxidase deficiency due to molybdenum cofactor deficiency type A. Last evaluated: 2018-01-13. Review status: criteria provided, single submitter. Criteria: ICSL Variant Classification Criteria 13 December 2019. Collection method: clinical testing. Allele origin: germline.